The following is an entry in ClinVar:

NM_003076.5(SMARCD1):c.1417C>T (p.Pro473Ser)

Gene: SMARCD1 (SWI/SNF related BAF chromatin remodeling complex subunit D1; plus strand). Cytogenetic location: 12q13.12.
Variant type: single nucleotide variant.
Coding change: c.1417C>T on transcript NM_003076.5 (MANE Select); coding-DNA position 1417, C replaced by T.
Protein change: p.Pro473Ser; replaces proline 473 with serine.
Molecular consequence: missense variant.
Genome position (GRCh38, 1-based): chr12:50,098,738, C>T. VCF-style: chr12-50098738-C-T. GRCh37 (hg19) VCF-style: chr12-50492521-C-T.
Other names: c.1294C>T, p.Pro432Ser (NM_139071.3); short protein forms P432S, P473S.
Identifiers: ClinVar variation 1723803 (VCV001723803.3), dbSNP rs2539518337, ClinGen allele CA384796841.

ClinVar aggregate classification (germline): Uncertain significance (1 of 4 stars; one submission).

Submission:

GeneDx
Classification: Uncertain significance. Last evaluated: 2024-08-28. Review status: criteria provided, single submitter. Criteria: GeneDx Variant Classification Process June 2021. Collection method: clinical testing. Allele origin: germline. Affected: yes.
Comment: Not observed at significant frequency in large population cohorts (gnomAD); In silico analysis supports that this missense variant has a deleterious effect on protein structure/function; Has not been previously published as pathogenic or benign to our knowledge